The following is an entry in ClinVar:

ClinVar aggregate classification (germline): Pathogenic (1 of 4 stars; one submission).

Submission:

Labcorp Genetics (formerly Invitae), Labcorp
Classification: Pathogenic. Last evaluated: 2025-12-24. Review status: criteria provided, single submitter. Criteria: Invitae Variant Classification Sherloc (09022015). Collection method: clinical testing. Allele origin: germline.
Comment: This sequence change creates a premature translational stop signal (p.Trp112*) in the GATA3 gene. It is expected to result in an absent or disrupted protein product. Loss-of-function variants in GATA3 are known to be pathogenic (PMID: 14985365, 21242646). This variant is not present in population databases (gnomAD no frequency). This variant has not been reported in the literature in individuals affected with GATA3-related conditions. For these reasons, this variant has been classified as Pathogenic.

Literature cited by the submitters: PubMed 14985365; PubMed 21242646.

NM_001002295.2(GATA3):c.335G>A (p.Trp112Ter)

Gene: GATA3 (GATA binding protein 3; plus strand). Cytogenetic location: 10p14.
Variant type: single nucleotide variant.
Coding change: c.335G>A on transcript NM_001002295.2 (MANE Select); coding-DNA position 335, G replaced by A.
Protein change: p.Trp112Ter; replaces tryptophan 112 with a stop codon.
Molecular consequence: nonsense.
Genome position (GRCh38, 1-based): chr10:8,058,398, G>A. VCF-style: chr10-8058398-G-A. GRCh37 (hg19) VCF-style: chr10-8100361-G-A.
Other names: c.335G>A, p.Trp112Ter (NM_001441115.1, NM_001441116.1, NM_001441117.1 and 18 more transcripts); short protein forms W112*.
Identifiers: ClinVar variation 4734093 (VCV004734093.1).